The following is an entry in ClinVar:

NM_002340.6(LSS):c.252C>T (p.Tyr84=)

Gene: LSS (lanosterol synthase; minus strand). Cytogenetic location: 21q22.3.
Variant type: single nucleotide variant.
Coding change: c.252C>T on transcript NM_002340.6 (MANE Select); coding-DNA position 252, C replaced by T.
Protein change: p.Tyr84=; no amino-acid change (tyrosine 84 retained).
Molecular consequence: synonymous variant.
Genome position (GRCh38, 1-based): chr21:46,227,619, G>A on the plus strand (C>T on the coding strand, the complement: LSS is on the minus strand). VCF-style: chr21-46227619-G-A. GRCh37 (hg19) VCF-style: chr21-47647533-G-A.
Other names: c.252C>T, p.Tyr84= (NM_001001438.3, NM_001145436.2); c.12C>T, p.Tyr4= (NM_001145437.2).
Identifiers: ClinVar variation 4821620 (VCV004821620.4).

ClinVar aggregate classification (germline): Likely benign (1 of 4 stars; one submission).

gnomAD v4.1: 43 of 1,613,616 alleles (0.0027%); highest among the groups gnomAD compares: Non-Finnish European, 0.0034%; no homozygotes.

Submission:

CeGaT Center for Human Genetics Tuebingen
Classification: Likely benign. Last evaluated: 2026-01-01. Review status: criteria provided, single submitter. Criteria: CeGaT Center For Human Genetics Tuebingen Variant Classification Criteria Version 2. Collection method: clinical testing. Allele origin: germline. Affected: yes. Observed: 1 variant allele.
Comment: LSS: BP4, BP7